The following is an entry in ClinVar:

ClinVar aggregate classification (germline): Likely benign. Review status: criteria provided, single submitter (1 of 4 stars). 2 submissions from 1 submitter: Likely benign (2). Last evaluated 2018-01-13.

Conditions:
Severe combined immunodeficiency due to DCLRE1C deficiency (RS-SCID). Also called: SCID, AUTOSOMAL RECESSIVE, T CELL-NEGATIVE, B CELL-NEGATIVE, NK CELL-POSITIVE, WITH SENSITIVITY TO IONIZING RADIATION. Identifiers: Orphanet 275, MedGen C1865371, MONDO:0011225, OMIM 602450.
DNA ligase IV deficiency. Identifiers: Orphanet 99812, MedGen C1847827, MONDO:0011686, OMIM 606593.

Allele frequency attached by ClinVar (database versions not stated): 1000 Genomes Project 0.00280; gnomAD 0.00284 and 0.00310; 1000 Genomes Project 30x 0.00281; TOPMed 0.00328; gnomAD exomes 0.00847.
gnomAD v4.1: 427 of 151,928 alleles (0.28%); highest among the groups gnomAD compares: African/African-American, 0.96%; 2 homozygotes.

Submissions (2):

Illumina Laboratory Services, Illumina
Classification: Likely benign for DNA ligase IV deficiency. Last evaluated: 2018-01-13. Review status: criteria provided, single submitter. Criteria: ICSL Variant Classification Criteria 13 December 2019. Collection method: clinical testing. Allele origin: germline.
Comment: This variant was observed in the ICSL laboratory as part of a predisposition screen in an ostensibly healthy population. It had not been previously curated by ICSL or reported in the Human Gene Mutation Database (HGMD: prior to June 1st, 2018), and was therefore a candidate for classification through an automated scoring system. Utilizing variant allele frequency, disease prevalence and penetrance estimates, and inheritance mode, an automated score was calculated to assess if this variant is too frequent to cause the disease. Based on the score and internal cut-off values, a variant classified as likely benign is not then subjected to further curation. The score for this variant resulted in a classification of likely benign for this disease.

Illumina Laboratory Services, Illumina
Classification: Likely benign for Severe combined immunodeficiency due to DCLRE1C deficiency. Last evaluated: 2018-01-13. Review status: criteria provided, single submitter. Criteria: ICSL Variant Classification Criteria 13 December 2019. Collection method: clinical testing. Allele origin: germline.
Comment: the same text as in the submission from Illumina Laboratory Services, Illumina above.

NM_206937.2(LIG4):c.-29+15T>G

Gene: LIG4 (DNA ligase 4; minus strand). Cytogenetic location: 13q33.3.
Variant type: single nucleotide variant.
Coding change: c.-29+15T>G on transcript NM_206937.2 (MANE Select); 15 bases into the intron after 29 bases upstream of the start codon, T replaced by G.
Molecular consequence: intron variant.
Genome position (GRCh38, 1-based): chr13:108,214,523, A>C on the plus strand (T>G on the coding strand, the complement: LIG4 is on the minus strand). VCF-style: chr13-108214523-A-C. GRCh37 (hg19) VCF-style: chr13-108866871-A-C.
Other names: c.-28-3227T>G (NM_001098268.2); c.-29+15T>G (NM_001352600.2, NM_001352599.2, NM_001379095.1 and 4 more transcripts); c.-29+39T>G (NM_001352598.2); c.-150+15T>G (NM_001330595.2); c.88+15T>G (NM_001352604.2).
Identifiers: ClinVar variation 310997 (VCV000310997.5), dbSNP rs183107946, ClinGen allele CA10643695.
Genomic context (GRCh38, chr13:108,214,523, plus strand): 5'-CCTAAGGAGTCTACATCATTCCTCTGCCCGTTCCCCCTACTCTCCCCCAACCCTTCACGG[A>C]TTCCCAGTGAATACCTGGCCTCGGGCAAGCTCCGTTACCTCTGTGAACCAGAGAATCCCA-3'